The following is an entry in ClinVar:

NM_005560.6(LAMA5):c.7266C>G (p.Asp2422Glu)

Gene: LAMA5 (laminin subunit alpha 5; minus strand). Cytogenetic location: 20q13.33.
Variant type: single nucleotide variant.
Coding change: c.7266C>G on transcript NM_005560.6 (MANE Select); coding-DNA position 7266, C replaced by G.
Protein change: p.Asp2422Glu; replaces aspartic acid 2422 with glutamic acid.
Molecular consequence: missense variant.
Genome position (GRCh38, 1-based): chr20:62,317,752, G>C on the plus strand (C>G on the coding strand, the complement: LAMA5 is on the minus strand). VCF-style: chr20-62317752-G-C. GRCh37 (hg19) VCF-style: chr20-60892808-G-C.
Other names: short protein forms D2422E.
Identifiers: ClinVar variation 1370954 (VCV001370954.6), dbSNP rs770252991, ClinGen allele CA9941316.

ClinVar aggregate classification (germline): Uncertain significance (1 of 4 stars; one submission).

Allele frequency attached by ClinVar (database versions not stated): TOPMed below 0.00001.
gnomAD v4.1: 1 of 1,604,982 alleles (0.000062%); highest among the groups gnomAD compares: Non-Finnish European, 0.000085%; no homozygotes.

Submission:

Labcorp Genetics (formerly Invitae), Labcorp
Classification: Uncertain significance. Last evaluated: 2025-06-18. Review status: criteria provided, single submitter. Criteria: Invitae Variant Classification Sherloc (09022015). Collection method: clinical testing. Allele origin: germline.
Comment: This sequence change replaces aspartic acid, which is acidic and polar, with glutamic acid, which is acidic and polar, at codon 2422 of the LAMA5 protein (p.Asp2422Glu). This variant is present in population databases (rs770252991, gnomAD 0.0009%). This variant has not been reported in the literature in individuals affected with LAMA5-related conditions. ClinVar contains an entry for this variant (Variation ID: 1370954). Invitae Evidence Modeling of protein sequence and biophysical properties (such as structural, functional, and spatial information, amino acid conservation, physicochemical variation, residue mobility, and thermodynamic stability) indicates that this missense variant is not expected to disrupt LAMA5 protein function with a negative predictive value of 80%. In summary, the available evidence is currently insufficient to determine the role of this variant in disease. Therefore, it has been classified as a Variant of Uncertain Significance.